The following is an entry in ClinVar:

NM_006662.3(SRCAP):c.1224G>C (p.Glu408Asp)

Gene: SRCAP (Snf2 related CREBBP activator protein; plus strand). Cytogenetic location: 16p11.2.
Variant type: single nucleotide variant.
Coding change: c.1224G>C on transcript NM_006662.3 (MANE Select); coding-DNA position 1224, G replaced by C.
Protein change: p.Glu408Asp; replaces glutamic acid 408 with aspartic acid.
Molecular consequence: missense variant.
Genome position (GRCh38, 1-based): chr16:30,710,843, G>C. VCF-style: chr16-30710843-G-C. GRCh37 (hg19) VCF-style: chr16-30722164-G-C.
Other names: short protein forms E408D.
Identifiers: ClinVar variation 788147 (VCV000788147.12), dbSNP rs557790573, ClinGen allele CA8010907.

ClinVar aggregate classification (germline): Benign/Likely benign. Review status: criteria provided, multiple submitters, no conflicts (2 of 4 stars). 4 submissions from 4 submitters: Benign (2); Likely benign (1). 1 of the submissions does not count toward it. Last evaluated 2026-06-01.

Conditions:
SRCAP-related disorder. Also called: SRCAP-related condition.
Inborn genetic diseases. Identifiers: MedGen C0950123, MeSH D030342.

Allele frequency attached by ClinVar (database versions not stated): gnomAD 0.00001 and 0.00037; TOPMed 0.00008; gnomAD exomes 0.00061 and 0.00128; ExAC 0.00150; 1000 Genomes Project 0.00260; 1000 Genomes Project 30x 0.00281.
gnomAD v4.1: 947 of 1,614,182 alleles (0.059%); highest among the groups gnomAD compares: South Asian, 0.97%; 15 homozygotes.

Submissions (4):

CeGaT Center for Human Genetics Tuebingen
Classification: Benign. Last evaluated: 2026-06-01. Review status: criteria provided, single submitter. Criteria: CeGaT Center For Human Genetics Tuebingen Variant Classification Criteria Version 2. Collection method: clinical testing. Allele origin: germline. Affected: yes. Observed: 1 variant allele.
Comment: SRCAP: BP4, BS1, BS2

Labcorp Genetics (formerly Invitae), Labcorp
Classification: Benign. Last evaluated: 2026-01-12. Review status: criteria provided, single submitter. Criteria: Invitae Variant Classification Sherloc (09022015). Collection method: clinical testing. Allele origin: germline.

Ambry Genetics
Classification: Likely benign for Inborn genetic diseases. Last evaluated: 2022-07-20. Review status: criteria provided, single submitter. Criteria: Ambry Variant Classification Scheme 2023. Collection method: clinical testing. Allele origin: germline.

PreventionGenetics, part of Exact Sciences
Classification: Likely benign for SRCAP-related condition. Last evaluated: 2024-05-01. Review status: no assertion criteria provided. Collection method: clinical testing. Allele origin: germline. Not counted in ClinVar's aggregate classification.
Comment: This variant is classified as likely benign based on ACMG/AMP sequence variant interpretation guidelines (Richards et al. 2015 PMID: 25741868, with internal and published modifications).